The following is an entry in ClinVar:

NM_005188.4(CBL):c.869+258C>A

Gene: CBL (Cbl proto-oncogene; plus strand). Cytogenetic location: 11q23.3.
Variant type: single nucleotide variant.
Coding change: c.869+258C>A on transcript NM_005188.4 (MANE Select); 258 bases into the intron after coding-DNA position 869, C replaced by A.
Molecular consequence: intron variant.
Genome position (GRCh38, 1-based): chr11:119,275,211, C>A. VCF-style: chr11-119275211-C-A. GRCh37 (hg19) VCF-style: chr11-119145921-C-A.
Identifiers: ClinVar variation 561941 (VCV000561941.1), dbSNP rs186556432, ClinGen allele CA229660701.

ClinVar aggregate classification (germline): Likely benign (1 of 4 stars; one submission).

Allele frequency attached by ClinVar (database versions not stated): gnomAD 0.00495 and 0.00577; TOPMed 0.00625; 1000 Genomes Project 30x 0.00859; 1000 Genomes Project 0.00879.
gnomAD v4.1: 865 of 151,362 alleles (0.57%); highest among the groups gnomAD compares: South Asian, 1.6%; 8 homozygotes.

Submission:

GeneDx
Classification: Likely benign. Last evaluated: 2018-06-19. Review status: criteria provided, single submitter. Criteria: GeneDx Variant Classification (06012015). Collection method: clinical testing. Allele origin: germline. Affected: yes.
Comment: This variant is considered likely benign or benign based on one or more of the following criteria: it is a conservative change, it occurs at a poorly conserved position in the protein, it is predicted to be benign by multiple in silico algorithms, and/or has population frequency not consistent with disease.